The following is an entry in ClinVar:

NM_080546.5(SLC44A1):c.1198C>T (p.Leu400=)

Gene: SLC44A1 (solute carrier family 44 member 1; plus strand). Cytogenetic location: 9q31.1.
Variant type: single nucleotide variant.
Coding change: c.1198C>T on transcript NM_080546.5 (MANE Select); coding-DNA position 1198, C replaced by T.
Protein change: p.Leu400=; no amino-acid change (leucine 400 retained).
Molecular consequence: synonymous variant.
Genome position (GRCh38, 1-based): chr9:105,364,665, C>T. VCF-style: chr9-105364665-C-T. GRCh37 (hg19) VCF-style: chr9-108126946-C-T.
Other names: c.1198C>T, p.Leu400= (NM_001286730.2, NM_001330731.2).
Identifiers: ClinVar variation 3778147 (VCV003778147.7).

ClinVar aggregate classification (germline): Likely benign (1 of 4 stars; one submission).

Submission:

CeGaT Center for Human Genetics Tuebingen
Classification: Likely benign. Last evaluated: 2025-03-01. Review status: criteria provided, single submitter. Criteria: CeGaT Center For Human Genetics Tuebingen Variant Classification Criteria Version 2. Collection method: clinical testing. Allele origin: germline. Affected: yes. Observed: 1 variant allele.
Comment: SLC44A1: BP4, BP7